The following is an entry in ClinVar:

ClinVar aggregate classification (germline): Uncertain significance (1 of 4 stars; one submission).

Allele frequency attached by ClinVar (database versions not stated): gnomAD exomes below 0.00001.
gnomAD v4.1: 3 of 1,505,358 alleles (0.0002%); highest among the groups gnomAD compares: Non-Finnish European, 0.00027%; no homozygotes.

Submission:

Labcorp Genetics (formerly Invitae), Labcorp
Classification: Uncertain significance. Last evaluated: 2022-06-04. Review status: criteria provided, single submitter. Criteria: Invitae Variant Classification Sherloc (09022015). Collection method: clinical testing. Allele origin: germline.
Comment: This sequence change replaces arginine, which is basic and polar, with cysteine, which is neutral and slightly polar, at codon 289 of the PPP3CA protein (p.Arg289Cys). This variant is not present in population databases (gnomAD no frequency). This variant has not been reported in the literature in individuals affected with PPP3CA-related conditions. ClinVar contains an entry for this variant (Variation ID: 1501726). Algorithms developed to predict the effect of missense changes on protein structure and function (SIFT, PolyPhen-2, Align-GVGD) all suggest that this variant is likely to be disruptive. In summary, the available evidence is currently insufficient to determine the role of this variant in disease. Therefore, it has been classified as a Variant of Uncertain Significance.

NM_000944.5(PPP3CA):c.865C>T (p.Arg289Cys)

Gene: PPP3CA (protein phosphatase 3 catalytic subunit alpha; minus strand). Cytogenetic location: 4q24.
Variant type: single nucleotide variant.
Coding change: c.865C>T on transcript NM_000944.5 (MANE Select); coding-DNA position 865, C replaced by T.
Protein change: p.Arg289Cys; replaces arginine 289 with cysteine.
Molecular consequence: missense variant.
Genome position (GRCh38, 1-based): chr4:101,080,622, G>A on the plus strand (C>T on the coding strand, the complement: PPP3CA is on the minus strand). VCF-style: chr4-101080622-G-A. GRCh37 (hg19) VCF-style: chr4-102001779-G-A.
Other names: c.865C>T, p.Arg289Cys (NM_001130691.2, NM_001130692.2); short protein forms R289C.
Identifiers: ClinVar variation 1501726 (VCV001501726.8), dbSNP rs2110239163, ClinGen allele CA357949787.
Genomic context (GRCh38, chr4:101,080,622, plus strand): 5'-GTGCTGAAAAAATTGTAATTAGAGAAGGGAAGCCTGTTGTTTGGCTTTTCCTGTACATGC[G>A]GTACCTAAAAAGAACAAATACAGTCAAAACAAAGCTTGTATGGAAAAAAGATAATATCAA-3'
Protein context (NP_000935.1, residues 279-299): RAHEAQDAGY[Arg289Cys]MYRKSQTTGF